The following is an entry in ClinVar:

ClinVar aggregate classification (germline): Uncertain significance (1 of 4 stars; one submission).

Allele frequency attached by ClinVar (database versions not stated): gnomAD 0.00001; TOPMed 0.00001; ExAC 0.00002.
gnomAD v4.1: 20 of 1,614,016 alleles (0.0012%); highest among the groups gnomAD compares: Non-Finnish European, 0.0015%; no homozygotes.

Submission:

Labcorp Genetics (formerly Invitae), Labcorp
Classification: Uncertain significance. Last evaluated: 2024-11-12. Review status: criteria provided, single submitter. Criteria: Invitae Variant Classification Sherloc (09022015). Collection method: clinical testing. Allele origin: germline.
Comment: This sequence change replaces arginine, which is basic and polar, with cysteine, which is neutral and slightly polar, at codon 438 of the LIPG protein (p.Arg438Cys). This variant is present in population databases (rs774203324, gnomAD 0.004%). This variant has not been reported in the literature in individuals affected with LIPG-related conditions. ClinVar contains an entry for this variant (Variation ID: 2171997). An algorithm developed to predict the effect of missense changes on protein structure and function (PolyPhen-2) suggests that this variant is likely to be disruptive. In summary, the available evidence is currently insufficient to determine the role of this variant in disease. Therefore, it has been classified as a Variant of Uncertain Significance.

NM_006033.4(LIPG):c.1312C>T (p.Arg438Cys)

Gene: LIPG (lipase G, endothelial type; plus strand). Cytogenetic location: 18q21.1.
Variant type: single nucleotide variant.
Coding change: c.1312C>T on transcript NM_006033.4 (MANE Select); coding-DNA position 1312, C replaced by T.
Protein change: p.Arg438Cys; replaces arginine 438 with cysteine.
Molecular consequence: missense variant.
Genome position (GRCh38, 1-based): chr18:49,583,710, C>T. VCF-style: chr18-49583710-C-T. GRCh37 (hg19) VCF-style: chr18-47110080-C-T.
Other names: c.1090C>T, p.Arg364Cys (NM_001308006.2); short protein forms R438C, R364C.
Identifiers: ClinVar variation 2171997 (VCV002171997.4), dbSNP rs774203324, ClinGen allele CA8959354.
Genomic context (GRCh38, chr18:49,583,710, plus strand): 5'-GGGGCCTCTCAGTCTTGGTACAACCTGTGGAAGGAGTTTCGCAGCTACCTGTCTCAACCC[C>T]GCAACCCCGGACGGGAGCTGAATATCAGGCGCATCCGGGTGAAGTCTGGGGAAACCCAGC-3'
Protein context (NP_006024.1, residues 428-448): KEFRSYLSQP[Arg438Cys]NPGRELNIRR